The following is an entry in ClinVar:

ClinVar aggregate classification (germline): Uncertain significance (1 of 4 stars; one submission).

Conditions:
TP63-Related Spectrum Disorders.

Submission:

Labcorp Genetics (formerly Invitae), Labcorp
Classification: Uncertain significance. Last evaluated: 2022-09-05. Review status: criteria provided, single submitter. Criteria: Invitae Variant Classification Sherloc (09022015). Collection method: clinical testing. Allele origin: germline.
Comment: In summary, the available evidence is currently insufficient to determine the role of this variant in disease. Therefore, it has been classified as a Variant of Uncertain Significance. Algorithms developed to predict the effect of missense changes on protein structure and function are either unavailable or do not agree on the potential impact of this missense change (SIFT: "Deleterious"; PolyPhen-2: "Benign"; Align-GVGD: "Class C0"). This variant has not been reported in the literature in individuals affected with TP63-related conditions. This variant is not present in population databases (gnomAD no frequency). This sequence change replaces threonine, which is neutral and polar, with isoleucine, which is neutral and non-polar, at codon 625 of the TP63 protein (p.Thr625Ile).

NM_003722.5(TP63):c.1874C>T (p.Thr625Ile)

Gene: TP63 (tumor protein p63; plus strand). Cytogenetic location: 3q28.
Variant type: single nucleotide variant.
Coding change: c.1874C>T on transcript NM_003722.5 (MANE Select); coding-DNA position 1874, C replaced by T.
Protein change: p.Thr625Ile; replaces threonine 625 with isoleucine.
Molecular consequence: missense variant. On other transcripts: 3 prime UTR variant (6).
Genome position (GRCh38, 1-based): chr3:189,894,333, C>T. VCF-style: chr3-189894333-C-T. GRCh37 (hg19) VCF-style: chr3-189612122-C-T.
Other names: c.*112C>T (NM_001114978.2, NM_001114981.2); c.1592C>T, p.Thr531Ile (NM_001114980.2); c.*102C>T (NM_001329144.2, NM_001329145.2, NM_001329149.2 and 1 more transcripts); c.1337C>T, p.Thr446Ile (NM_001329146.2); c.1862C>T, p.Thr621Ile (NM_001329148.2); c.1868C>T, p.Thr623Ile (NM_001329964.2); short protein forms T446I, T531I, T621I, T623I, T625I.
Identifiers: ClinVar variation 1718867 (VCV001718867.4), dbSNP rs2108873849, ClinGen allele CA355751385.